The following is an entry in ClinVar:

NM_177550.5(SLC13A5):c.1405A>G (p.Thr469Ala)

Gene: SLC13A5 (solute carrier family 13 member 5; minus strand). Cytogenetic location: 17p13.1.
Variant type: single nucleotide variant.
Coding change: c.1405A>G on transcript NM_177550.5 (MANE Select); coding-DNA position 1405, A replaced by G.
Protein change: p.Thr469Ala; replaces threonine 469 with alanine.
Molecular consequence: missense variant.
Genome position (GRCh38, 1-based): chr17:6,690,811, T>C on the plus strand (A>G on the coding strand, the complement: SLC13A5 is on the minus strand). VCF-style: chr17-6690811-T-C. GRCh37 (hg19) VCF-style: chr17-6594130-T-C.
Other names: c.1405A>G, p.Thr469Ala (NM_001143838.3); c.1354A>G, p.Thr452Ala (NM_001284509.2); c.1276A>G, p.Thr426Ala (NM_001284510.2); short protein forms T426A, T469A, T452A.
Identifiers: ClinVar variation 664438 (VCV000664438.9), dbSNP rs1475919318, ClinGen allele CA397739523.

ClinVar aggregate classification (germline): Uncertain significance (1 of 4 stars; one submission).

Conditions:
Developmental and epileptic encephalopathy, 25 (DEE25). Also called: Epileptic encephalopathy, early infantile, 25; Developmental and epileptic encephalopathy 25, with amelogenesis imperfecta; Epileptic encephalopathy, early infantile, 25, with amelogenesis imperfecta. Identifiers: Orphanet 442835, MedGen C4014621, MONDO:0014392, OMIM 615905.

Allele frequency attached by ClinVar (database versions not stated): gnomAD exomes below 0.00001.
gnomAD v4.1: 1 of 1,614,160 alleles (0.000062%); highest among the groups gnomAD compares: South Asian, 0.0011%; no homozygotes.

Submission:

Labcorp Genetics (formerly Invitae), Labcorp
Classification: Uncertain significance for Developmental and epileptic encephalopathy, 25. Last evaluated: 2022-06-29. Review status: criteria provided, single submitter. Criteria: Invitae Variant Classification Sherloc (09022015). Collection method: clinical testing. Allele origin: germline.
Comment: This variant has not been reported in the literature in individuals affected with SLC13A5-related conditions. In summary, the available evidence is currently insufficient to determine the role of this variant in disease. Therefore, it has been classified as a Variant of Uncertain Significance. Algorithms developed to predict the effect of missense changes on protein structure and function output the following: SIFT: "Tolerated"; PolyPhen-2: "Benign"; Align-GVGD: "Class C0". The alanine amino acid residue is found in multiple mammalian species, which suggests that this missense change does not adversely affect protein function. ClinVar contains an entry for this variant (Variation ID: 664438). This variant is present in population databases (no rsID available, gnomAD 0.003%). This sequence change replaces threonine, which is neutral and polar, with alanine, which is neutral and non-polar, at codon 469 of the SLC13A5 protein (p.Thr469Ala).